The following is an entry in ClinVar:

NM_004360.5(CDH1):c.1362A>T (p.Val454=)

Gene: CDH1 (cadherin 1; plus strand). Cytogenetic location: 16q22.1.
Variant type: single nucleotide variant.
Coding change: c.1362A>T on transcript NM_004360.5 (MANE Select); coding-DNA position 1362, A replaced by T.
Protein change: p.Val454=; no amino-acid change (valine 454 retained).
Molecular consequence: synonymous variant. On other transcripts: 5 prime UTR variant (2).
Genome position (GRCh38, 1-based): chr16:68,815,556, A>T. VCF-style: chr16-68815556-A-T. GRCh37 (hg19) VCF-style: chr16-68849459-A-T.
Other names: c.1179A>T, p.Val393= (NM_001317184.2); c.-187A>T (NM_001317185.2); c.-458A>T (NM_001317186.2).
Identifiers: ClinVar variation 1546257 (VCV001546257.9), dbSNP rs2152134754, ClinGen allele CA496153933.
Genomic context (GRCh38, chr16:68,815,556, plus strand): 5'-CATTGTTTCTGCTCTCTAGGGCTTGGATTTTGAGGCCAAGCAGCAGTACATTCTACACGT[A>T]GCAGTGACGAATGTGGTACCTTTTGAGGTCTCTCTCACCACCTCCACAGCCACCGTCACC-3'
Protein context (NP_004351.1, residues 444-464): FEAKQQYILH[Val454=]AVTNVVPFEV

ClinVar aggregate classification (germline): Benign/Likely benign. Review status: criteria provided, multiple submitters, no conflicts (2 of 4 stars). 2 submissions from 2 submitters: Benign (1); Likely benign (1). Last evaluated 2024-09-18.

Conditions:
Hereditary diffuse gastric adenocarcinoma (HDGC). Also called: DIFFUSE GASTRIC AND LOBULAR BREAST CANCER SYNDROME. Identifiers: Orphanet 26106, MedGen C1708349, MONDO:0007648, OMIM 137215.

gnomAD v4.1: 1 of 1,614,210 alleles (0.000062%); no homozygotes.

Submissions (2):

Myriad Genetics, Inc.
Classification: Benign for Hereditary diffuse gastric adenocarcinoma. Last evaluated: 2024-09-18. Review status: criteria provided, single submitter. Criteria: Myriad Autosomal Dominant, Autosomal Recessive and X-Linked Classification Criteria (2023). Collection method: clinical testing. Allele origin: unknown.
Comment: This variant is considered benign. This variant is a silent/synonymous amino acid change and it is not expected to impact splicing.

Labcorp Genetics (formerly Invitae), Labcorp
Classification: Likely benign for Hereditary diffuse gastric adenocarcinoma. Last evaluated: 2024-04-07. Review status: criteria provided, single submitter. Criteria: Invitae Variant Classification Sherloc (09022015). Collection method: clinical testing. Allele origin: germline.